The following is an entry in ClinVar:

ClinVar aggregate classification (germline): Uncertain significance (1 of 4 stars; one submission).

Conditions:
Hereditary cancer-predisposing syndrome. Also called: Hereditary Cancer Syndrome; Tumor predisposition; Hereditary neoplastic syndrome; Neoplastic Syndromes, Hereditary. Identifiers: Orphanet 140162, MedGen C0027672, MeSH D009386, MONDO:0015356.

Submission:

Ambry Genetics
Classification: Uncertain significance for Hereditary cancer-predisposing syndrome. Last evaluated: 2024-10-01. Review status: criteria provided, single submitter. Criteria: Ambry Variant Classification Scheme 2023. Collection method: clinical testing. Allele origin: germline.
Comment: The p.R250G variant (also known as c.748A>G), located in coding exon 7 of the NBN gene, results from an A to G substitution at nucleotide position 748. The arginine at codon 250 is replaced by glycine, an amino acid with dissimilar properties. This amino acid position is conserved. In addition, this alteration is predicted to be tolerated by in silico analysis. Based on the available evidence, the clinical significance of this variant remains unclear.

NM_002485.5(NBN):c.748A>G (p.Arg250Gly)

Gene: NBN (nibrin; minus strand). Cytogenetic location: 8q21.3.
Variant type: single nucleotide variant.
Coding change: c.748A>G on transcript NM_002485.5 (MANE Select); coding-DNA position 748, A replaced by G.
Protein change: p.Arg250Gly; replaces arginine 250 with glycine.
Molecular consequence: missense variant.
Genome position (GRCh38, 1-based): chr8:89,970,512, T>C on the plus strand (A>G on the coding strand, the complement: NBN is on the minus strand). VCF-style: chr8-89970512-T-C. GRCh37 (hg19) VCF-style: chr8-90982740-T-C.
Other names: c.502A>G, p.Arg168Gly (NM_001024688.3); short protein forms R168G, R250G.
Identifiers: ClinVar variation 3403068 (VCV003403068.1).
Genomic context (GRCh38, chr8:89,970,512, plus strand): 5'-CACACGTTCCCGGAGCCAAAAAGAAATTATGTTCTTCTTCATTCTCTTCTGTTATCAACC[T>C]AGCTTCCCCACCTCCAAAGACAACTGCGGAACTCAATTTCTTATGCTAAAAATGGAAGGA-3'
Protein context (NP_002476.2, residues 240-260): SAVVFGGGEA[Arg250Gly]LITEENEEEH